The following is an entry in ClinVar:

NM_005560.6(LAMA5):c.10516C>T (p.Arg3506Trp)

Gene: LAMA5 (laminin subunit alpha 5; minus strand). Cytogenetic location: 20q13.33.
Variant type: single nucleotide variant.
Coding change: c.10516C>T on transcript NM_005560.6 (MANE Select); coding-DNA position 10516, C replaced by T.
Protein change: p.Arg3506Trp; replaces arginine 3506 with tryptophan.
Molecular consequence: missense variant.
Genome position (GRCh38, 1-based): chr20:62,310,503, G>A on the plus strand (C>T on the coding strand, the complement: LAMA5 is on the minus strand). VCF-style: chr20-62310503-G-A. GRCh37 (hg19) VCF-style: chr20-60885559-G-A.
Other names: c.10516C>T (NM_005560.4); short protein forms R3506W.
Identifiers: ClinVar variation 2388987 (VCV002388987.3), dbSNP rs533441062, ClinGen allele CA9939759.

ClinVar aggregate classification (germline): Uncertain significance. Review status: criteria provided, multiple submitters, no conflicts (2 of 4 stars). 2 submissions from 2 submitters: Uncertain significance (2). Last evaluated 2023-01-07.

Conditions:
LAMA5-related disorder. Also called: LAMA5-related condition; LAMA5-Related Disorders.
Inborn genetic diseases. Identifiers: MedGen C0950123, MeSH D030342.

Allele frequency attached by ClinVar (database versions not stated): 1000 Genomes Project 30x 0.00016; 1000 Genomes Project 0.00020; gnomAD 0.00021; TOPMed 0.00023.

Submissions (2):

PreventionGenetics, part of Exact Sciences
Classification: Uncertain significance for LAMA5-related condition. Last evaluated: 2023-01-07. Review status: criteria provided, single submitter. Criteria: ACMG Guidelines, 2015. Collection method: clinical testing. Allele origin: germline.
Comment: The LAMA5 c.10516C>T variant is predicted to result in the amino acid substitution p.Arg3506Trp. To our knowledge, this variant has not been reported in the literature. This variant is reported in 0.057% of alleles in individuals of South Asian descent in gnomAD. Although we suspect that this variant may be benign, at this time, the clinical significance of this variant is uncertain due to the absence of conclusive functional and genetic evidence.

Ambry Genetics
Classification: Uncertain significance for Inborn genetic diseases. Last evaluated: 2021-07-14. Review status: criteria provided, single submitter. Criteria: Ambry Variant Classification Scheme 2023. Collection method: clinical testing. Allele origin: germline.